The following is an entry in ClinVar:

NM_001034853.2(RPGR):c.1399C>A (p.Gln467Lys)

Gene: RPGR (retinitis pigmentosa GTPase regulator; minus strand). Cytogenetic location: Xp11.4.
Variant type: single nucleotide variant.
Coding change: c.1399C>A on transcript NM_001034853.2 (MANE Select); coding-DNA position 1399, C replaced by A.
Protein change: p.Gln467Lys; replaces glutamine 467 with lysine.
Molecular consequence: missense variant. On other transcripts: non-coding transcript variant (6).
Genome position (GRCh38, 1-based): chrX:38,297,299, G>T on the plus strand (C>A on the coding strand, the complement: RPGR is on the minus strand). VCF-style: chrX-38297299-G-T. GRCh37 (hg19) VCF-style: chrX-38156552-G-T.
Other names: NM_001034853.2(RPGR):c.1399C>A; p.Gln467Lys; c.1399C>A, p.Gln467Lys (NM_000328.3, NM_001367247.1); c.1396C>A, p.Gln466Lys (NM_001367245.1, NM_001367249.1, NM_001367250.1); c.1213C>A, p.Gln405Lys (NM_001367246.1, NM_001367251.1); c.1429C>A, p.Gln477Lys (NM_001367248.1); short protein forms Q467K, Q405K, Q477K, Q466K.
Identifiers: ClinVar variation 414012 (VCV000414012.20), dbSNP rs774321455, ClinGen allele CA10385485.

ClinVar aggregate classification (germline): Benign. Review status: reviewed by expert panel (3 of 4 stars). 5 submissions from 5 submitters: Benign (1). 4 of the submissions do not count toward it. Last evaluated 2025-08-01.

Conditions:
RPGR-related disorder. Also called: RPGR-related condition.
RPGR-related retinopathy. Also called: RPGR retinopathy. Identifiers: MedGen CN305589, MONDO:0100437.
Primary ciliary dyskinesia. Also called: Ciliary dyskinesia. Identifiers: Orphanet 244, MedGen C0008780, MONDO:0016575, HP:0012265.

Allele frequency attached by ClinVar (database versions not stated): ExAC 0.00016; gnomAD exomes 0.00039; 1000 Genomes Project 30x 0.00042; gnomAD 0.00044 and 0.00046; TOPMed 0.00052; 1000 Genomes Project 0.00053.
gnomAD v4.1: 231 of 1,208,092 alleles (0.019%); highest among the groups gnomAD compares: Admixed American, 0.25%; 1 homozygote.

Submissions (5):

ClinGen X-linked Inherited Retinal Disease Variant Curation Expert Panel, ClinGen
Classification: Benign for RPGR-related retinopathy. Last evaluated: 2025-08-01. Review status: reviewed by expert panel. Criteria: ClinGen X LinkedIRD ACMG Specifications RPGR V1.0.0. Collection method: curation. Allele origin: germline. Inheritance: X-linked inheritance.
Comment: NM_001034853.2(RPGR):c.1399C>A (p.Gln467Lys) is a missense variant predicted to cause substitution of glutamine by lysine at amino acid 467. This variant is present in gnomAD v4.1.0 at a frequency of 0.0001794 among hemizygous individuals, with 71 variant alleles / 395,690 total hemizygous alleles, which is higher than the ClinGen X-linked IRD VCEP BA1 threshold of >0.00005 (BA1). The computational predictor REVEL gives a score of 0.013, which is below the ClinGen X-linked IRD VCEP threshold of < 0.016 and predicts a non-damaging effect on RPGR function. Additionally, the splicing impact predictor SpliceAI gives a delta score of 0.06, which is below the ClinGen X-linked IRD VCEP recommended threshold of <0.1 and does not strongly predict an impact on splicing (BP4_Strong). In summary, this variant is classified as benign for RPGR-related retinopathy based on the ClinGen X-linked Inherited Retinal Disease Expert Panel Specifications to the ACMG/AMP Variant Interpretation Guidelines for RPGR Version 1.0.0; BA1 and BP4_Strong. (date of approval 05/16/2025).

Labcorp Genetics (formerly Invitae), Labcorp
Classification: Benign for Primary ciliary dyskinesia. Last evaluated: 2026-01-21. Review status: criteria provided, single submitter. Criteria: Invitae Variant Classification Sherloc (09022015). Collection method: clinical testing. Allele origin: germline. Not counted in ClinVar's aggregate classification.

Blueprint Genetics
Classification: Likely benign. Last evaluated: 2024-05-21. Review status: criteria provided, single submitter. Criteria: ACMG Guidelines, 2015. Collection method: clinical testing. Allele origin: germline. Not counted in ClinVar's aggregate classification.

Ambry Genetics
Classification: Benign for Primary ciliary dyskinesia. Last evaluated: 2021-11-01. Review status: criteria provided, single submitter. Criteria: Ambry Variant Classification Scheme 2023. Collection method: clinical testing. Allele origin: germline. Not counted in ClinVar's aggregate classification.

PreventionGenetics, part of Exact Sciences
Classification: Likely benign for RPGR-related condition. Last evaluated: 2019-08-02. Review status: no assertion criteria provided. Collection method: clinical testing. Allele origin: germline. Not counted in ClinVar's aggregate classification.
Comment: This variant is classified as likely benign based on ACMG/AMP sequence variant interpretation guidelines (Richards et al. 2015 PMID: 25741868, with internal and published modifications).